The following is an entry in ClinVar:

ClinVar aggregate classification (germline): Uncertain significance. Review status: criteria provided, multiple submitters, no conflicts (2 of 4 stars). 4 submissions from 4 submitters: Uncertain significance (3). 1 of the submissions does not count toward it. Last evaluated 2024-10-28.

Conditions:
Glycogen storage disease, type II (IOPD). Also called: POMPE DISEASE, INFANTILE-ONSET; GLYCOGEN STORAGE DISEASE II, INFANTILE-ONSET; ACID ALPHA-GLUCOSIDASE DEFICIENCY, INFANTILE-ONSET; GAA DEFICIENCY, INFANTILE-ONSET; ACID MALTASE DEFICIENCY, INFANTILE-ONSET; Glucosidase acid-1,4-alpha deficiency. Identifiers: Orphanet 365, MedGen C0017921, MONDO:0009290, OMIM 232300.

Allele frequency attached by ClinVar (database versions not stated): gnomAD 0.00001; gnomAD exomes 0.00001 and 0.00004; ExAC 0.00005; TOPMed 0.00006.
gnomAD v4.1: 10 of 1,609,448 alleles (0.00062%); highest among the groups gnomAD compares: East Asian, 0.022%; no homozygotes.

Submissions (4):

Revvity Omics, Revvity
Classification: Uncertain significance. Last evaluated: 2024-10-28. Review status: criteria provided, single submitter. Criteria: ACMG Guidelines, 2015. Collection method: clinical testing. Allele origin: germline.

Blueprint Genetics
Classification: Uncertain significance. Last evaluated: 2024-04-02. Review status: criteria provided, single submitter. Criteria: ACMG Guidelines, 2015. Collection method: clinical testing. Allele origin: germline.

Labcorp Genetics (formerly Invitae), Labcorp
Classification: Uncertain significance for Glycogen storage disease, type II. Last evaluated: 2022-11-01. Review status: criteria provided, single submitter. Criteria: Invitae Variant Classification Sherloc (09022015). Collection method: clinical testing. Allele origin: germline.
Comment: This sequence change replaces glutamic acid, which is acidic and polar, with lysine, which is basic and polar, at codon 212 of the GAA protein (p.Glu212Lys). This variant is present in population databases (rs768596085, gnomAD 0.05%). This variant has not been reported in the literature in individuals affected with GAA-related conditions. ClinVar contains an entry for this variant (Variation ID: 456425). Algorithms developed to predict the effect of missense changes on protein structure and function (SIFT, PolyPhen-2, Align-GVGD) all suggest that this variant is likely to be tolerated. In summary, the available evidence is currently insufficient to determine the role of this variant in disease. Therefore, it has been classified as a Variant of Uncertain Significance.

Natera, Inc.
Classification: Uncertain significance for Glycogen storage disease type II. Last evaluated: 2019-10-28. Review status: no assertion criteria provided. Collection method: clinical testing. Allele origin: germline. Not counted in ClinVar's aggregate classification.

NM_000152.5(GAA):c.634G>A (p.Glu212Lys)

Gene: GAA (alpha glucosidase; plus strand). Cytogenetic location: 17q25.3.
Variant type: single nucleotide variant.
Coding change: c.634G>A on transcript NM_000152.5 (MANE Select); coding-DNA position 634, G replaced by A.
Protein change: p.Glu212Lys; replaces glutamic acid 212 with lysine.
Molecular consequence: missense variant.
Genome position (GRCh38, 1-based): chr17:80,105,836, G>A. VCF-style: chr17-80105836-G-A. GRCh37 (hg19) VCF-style: chr17-78079635-G-A.
Other names: c.634G>A, p.Glu212Lys (NM_001079803.3, NM_001079804.3); c.634G>A (LRG_673t1); short protein forms E212K.
Identifiers: ClinVar variation 456425 (VCV000456425.10), dbSNP rs768596085, ClinGen allele CA8814950.